The following is an entry in ClinVar:

NM_014611.3(MDN1):c.14556A>G (p.Gln4852=)

Genes: MDN1 (midasin AAA ATPase 1; minus strand), MDN1-AS1 (MDN1 antisense RNA 1; plus strand). Cytogenetic location: 6q15.
Variant type: single nucleotide variant.
Coding change: c.14556A>G on transcript NM_014611.3 (MANE Select); coding-DNA position 14556, A replaced by G.
Protein change: p.Gln4852=; no amino-acid change (glutamine 4852 retained).
Molecular consequence: synonymous variant.
Genome position (GRCh38, 1-based): chr6:89,662,096, T>C on the plus strand (A>G on the coding strand, the complement: MDN1 is on the minus strand). VCF-style: chr6-89662096-T-C. GRCh37 (hg19) VCF-style: chr6-90371815-T-C.
Identifiers: ClinVar variation 3048911 (VCV003048911.2), dbSNP rs2536153133, ClinGen allele CA451184468.

ClinVar aggregate classification (germline): Likely benign (0 of 4 stars; one submission).

Conditions:
MDN1-related disorder. Also called: MDN1-related condition.

Submission:

PreventionGenetics, part of Exact Sciences
Classification: Likely benign for MDN1-related condition. Last evaluated: 2023-04-08. Review status: no assertion criteria provided. Collection method: clinical testing. Allele origin: germline.
Comment: This variant is classified as likely benign based on ACMG/AMP sequence variant interpretation guidelines (Richards et al. 2015 PMID: 25741868, with internal and published modifications).